The following is an entry in ClinVar:

NM_004364.5(CEBPA):c.158G>T (p.Gly53Val)

Gene: CEBPA (CCAAT enhancer binding protein alpha; minus strand). Cytogenetic location: 19q13.11.
Variant type: single nucleotide variant.
Coding change: c.158G>T on transcript NM_004364.5 (MANE Select); coding-DNA position 158, G replaced by T.
Protein change: p.Gly53Val; replaces glycine 53 with valine.
Molecular consequence: missense variant. On other transcripts: 5 prime UTR variant (1).
Genome position (GRCh38, 1-based): chr19:33,302,257, C>A on the plus strand (G>T on the coding strand, the complement: CEBPA is on the minus strand). VCF-style: chr19-33302257-C-A. GRCh37 (hg19) VCF-style: chr19-33793163-C-A.
Other names: c.-200G>T (NM_001285829.2); c.263G>T, p.Gly88Val (NM_001287424.2); c.116G>T, p.Gly39Val (NM_001287435.2); short protein forms G39V, G53V, G88V.
Identifiers: ClinVar variation 639610 (VCV000639610.9), dbSNP rs1600024079, ClinGen allele CA405275558.

ClinVar aggregate classification (germline): Uncertain significance (1 of 4 stars; one submission).

Conditions:
Acute myeloid leukemia (AML). Also called: Acute myeloid leukemia, adult; AML adult; Acute non-lymphocytic leukemia; Acute granulocytic leukemia; Leukemia, acute myeloid, somatic; Leukemia, acute myelogenous, somatic. Identifiers: Orphanet 519, MedGen C0023467, MeSH D015470, MONDO:0018874, OMIM 601626, HP:0004808. Disease mechanism: Constitutively activated FLT3.

Allele frequency attached by ClinVar (database versions not stated): gnomAD exomes below 0.00001.
gnomAD v4.1: 1 of 1,487,532 alleles (0.000067%); highest among the groups gnomAD compares: Non-Finnish European, 0.00009%; no homozygotes.

Submission:

Labcorp Genetics (formerly Invitae), Labcorp
Classification: Uncertain significance for Acute myeloid leukemia. Last evaluated: 2023-10-14. Review status: criteria provided, single submitter. Criteria: Invitae Variant Classification Sherloc (09022015). Collection method: clinical testing. Allele origin: germline.
Comment: This sequence change replaces glycine, which is neutral and non-polar, with valine, which is neutral and non-polar, at codon 53 of the CEBPA protein (p.Gly53Val). This variant is not present in population databases (gnomAD no frequency). This variant has not been reported in the literature in individuals affected with CEBPA-related conditions. ClinVar contains an entry for this variant (Variation ID: 639610). Advanced modeling of protein sequence and biophysical properties (such as structural, functional, and spatial information, amino acid conservation, physicochemical variation, residue mobility, and thermodynamic stability) performed at Invitae indicates that this missense variant is not expected to disrupt CEBPA protein function. In summary, the available evidence is currently insufficient to determine the role of this variant in disease. Therefore, it has been classified as a Variant of Uncertain Significance.